The following is an entry in ClinVar:

NM_015046.7(SETX):c.5385A>C (p.Glu1795Asp)

Gene: SETX (senataxin; minus strand). Cytogenetic location: 9q34.13.
Variant type: single nucleotide variant.
Coding change: c.5385A>C on transcript NM_015046.7 (MANE Select); coding-DNA position 5385, A replaced by C.
Protein change: p.Glu1795Asp; replaces glutamic acid 1795 with aspartic acid.
Molecular consequence: missense variant.
Genome position (GRCh38, 1-based): chr9:132,300,793, T>G on the plus strand (A>C on the coding strand, the complement: SETX is on the minus strand). VCF-style: chr9-132300793-T-G. GRCh37 (hg19) VCF-style: chr9-135176180-T-G.
Other names: c.5385A>C, p.Glu1795Asp (NM_001351527.2, NM_001351528.2); short protein forms E1795D.
Identifiers: ClinVar variation 2938807 (VCV002938807.3), dbSNP rs1448520093, ClinGen allele CA375348307.

ClinVar aggregate classification (germline): Uncertain significance (1 of 4 stars; one submission).

Conditions:
Amyotrophic lateral sclerosis type 4 (ALS4). Also called: AMYOTROPHIC LATERAL SCLEROSIS 4, JUVENILE; NEURONOPATHY, DISTAL HEREDITARY MOTOR, WITH PYRAMIDAL FEATURES. Identifiers: Orphanet 357043, MedGen C1865409, MONDO:0011223, OMIM 602433.
Spinocerebellar ataxia, autosomal recessive, with axonal neuropathy 2 (SCAN2). Also called: Ataxia with Oculomotor Apraxia; ATAXIA-OCULOMOTOR APRAXIA 2; Ataxia-ocular apraxia-2; Ataxia with Oculomotor Apraxia Type 2. Identifiers: Orphanet 64753, MedGen C1853761, MONDO:0018996, OMIM 606002.

Allele frequency attached by ClinVar (database versions not stated): TOPMed below 0.00001.
gnomAD v4.1: 1 of 1,612,930 alleles (0.000062%); highest among the groups gnomAD compares: Non-Finnish European, 0.000085%; no homozygotes.

Submission:

Labcorp Genetics (formerly Invitae), Labcorp
Classification: Uncertain significance for Amyotrophic lateral sclerosis type 4; Spinocerebellar ataxia, autosomal recessive, with axonal neuropathy 2. Last evaluated: 2023-11-25. Review status: criteria provided, single submitter. Criteria: Invitae Variant Classification Sherloc (09022015). Collection method: clinical testing. Allele origin: germline.
Comment: This sequence change replaces glutamic acid, which is acidic and polar, with aspartic acid, which is acidic and polar, at codon 1795 of the SETX protein (p.Glu1795Asp). This variant is not present in population databases (gnomAD no frequency). This variant has not been reported in the literature in individuals affected with SETX-related conditions. Advanced modeling of protein sequence and biophysical properties (such as structural, functional, and spatial information, amino acid conservation, physicochemical variation, residue mobility, and thermodynamic stability) performed at Invitae indicates that this missense variant is not expected to disrupt SETX protein function with a negative predictive value of 95%. In summary, the available evidence is currently insufficient to determine the role of this variant in disease. Therefore, it has been classified as a Variant of Uncertain Significance.